The following is an entry in ClinVar:

NM_138927.4(SON):c.5211A>G (p.Leu1737=)

Gene: SON (SON DNA and RNA binding protein; plus strand). Cytogenetic location: 21q22.11.
Variant type: single nucleotide variant.
Coding change: c.5211A>G on transcript NM_138927.4 (MANE Select); coding-DNA position 5211, A replaced by G.
Protein change: p.Leu1737=; no amino-acid change (leucine 1737 retained).
Molecular consequence: synonymous variant. On other transcripts: non-coding transcript variant (1), intron variant (1).
Genome position (GRCh38, 1-based): chr21:33,554,442, A>G. VCF-style: chr21-33554442-A-G. GRCh37 (hg19) VCF-style: chr21-34926748-A-G.
Other names: c.5211A>G (NM_138927.2); c.5211A>G, p.Leu1737= (NM_001291411.2, NM_032195.3); c.245-2714A>G (NM_001291412.3).
Identifiers: ClinVar variation 712279 (VCV000712279.35), dbSNP rs140041107, ClinGen allele CA10009684.

ClinVar aggregate classification (germline): Benign/Likely benign. Review status: criteria provided, multiple submitters, no conflicts (2 of 4 stars). 4 submissions from 4 submitters: Benign (1); Likely benign (2). 1 of the submissions does not count toward it. Last evaluated 2026-06-01.

Conditions:
SON-related disorder. Also called: SON-related condition.

Allele frequency attached by ClinVar (database versions not stated): gnomAD exomes 0.00038 and 0.00095; ExAC 0.00108; 1000 Genomes Project 30x 0.00297; 1000 Genomes Project 0.00300; gnomAD 0.00403 and 0.00435; ESP Exome Variant Server 0.00423; TOPMed 0.00445.
gnomAD v4.1: 1,187 of 1,614,194 alleles (0.074%); highest among the groups gnomAD compares: African/African-American, 1.4%; 9 homozygotes.

Submissions (4):

CeGaT Center for Human Genetics Tuebingen
Classification: Likely benign. Last evaluated: 2026-06-01. Review status: criteria provided, single submitter. Criteria: CeGaT Center For Human Genetics Tuebingen Variant Classification Criteria Version 2. Collection method: clinical testing. Allele origin: germline. Affected: yes. Observed: 2 variant alleles.
Comment: SON: BP4, BP7, BS1

Labcorp Genetics (formerly Invitae), Labcorp
Classification: Benign. Last evaluated: 2026-01-27. Review status: criteria provided, single submitter. Criteria: Invitae Variant Classification Sherloc (09022015). Collection method: clinical testing. Allele origin: germline.

Blueprint Genetics
Classification: Likely benign. Last evaluated: 2024-10-24. Review status: criteria provided, single submitter. Criteria: ACMG Guidelines, 2015. Collection method: clinical testing. Allele origin: germline.

PreventionGenetics, part of Exact Sciences
Classification: Benign for SON-related condition. Last evaluated: 2021-12-16. Review status: no assertion criteria provided. Collection method: clinical testing. Allele origin: germline. Not counted in ClinVar's aggregate classification.
Comment: This variant is classified as benign based on ACMG/AMP sequence variant interpretation guidelines (Richards et al. 2015 PMID: 25741868, with internal and published modifications).